The following is an entry in ClinVar:

ClinVar aggregate classification (germline): Uncertain significance (1 of 4 stars; one submission).

Conditions:
DDX41-related hematologic malignancy predisposition syndrome. Also called: DDX41-Associated Familial Myelodysplastic Syndrome and Acute Myeloid Leukemia; Myeloproliferative/lymphoproliferative neoplasms, familial (multiple types), susceptibility to. Identifiers: Orphanet 488647, MedGen C4225174, MONDO:0014809, OMIM 616871.

Submission:

St. Jude Molecular Pathology, St. Jude Children's Research Hospital
Classification: Uncertain significance for DDX41-related hematologic malignancy predisposition syndrome. Last evaluated: 2026-10-01. Review status: criteria provided, single submitter. Criteria: St. Jude Assertion Criteria 2020. Collection method: clinical testing. Allele origin: germline.
Comment: The DDX41 c.238G>A p.(Gly80Ser) missense change is absent in gnomAD v2.1.1. The in silico tool REVEL predicts a benign e ffect on protein function, but to our knowledge this prediction has not been confirmed by functional studies. To our knowledge, this variant has not been reported in the literature in individuals with DDX41-associated familial myeloproliferative/lymphopr oliferative neoplasms. In summary, the evidence currently available is insufficient to determine the clinical significance of this variant. It has therefore been classified as of uncertain significance.

NM_016222.4(DDX41):c.238G>A (p.Gly80Ser)

Gene: DDX41 (DEAD-box helicase 41; minus strand). Cytogenetic location: 5q35.3.
Variant type: single nucleotide variant.
Coding change: c.238G>A on transcript NM_016222.4 (MANE Select); coding-DNA position 238, G replaced by A.
Protein change: p.Gly80Ser; replaces glycine 80 with serine.
Molecular consequence: missense variant. On other transcripts: 5 prime UTR variant (2).
Genome position (GRCh38, 1-based): chr5:177,516,348, C>T on the plus strand (G>A on the coding strand, the complement: DDX41 is on the minus strand). VCF-style: chr5-177516348-C-T. GRCh37 (hg19) VCF-style: chr5-176943349-C-T.
Other names: c.-141G>A (NM_001321732.2, NM_001321830.2); short protein forms G80S.
Identifiers: ClinVar variation 5038368 (VCV005038368.1).